The following is an entry in ClinVar:

ClinVar aggregate classification (germline): Uncertain significance (1 of 4 stars; one submission).

Conditions:
Neuronal ceroid lipofuscinosis. Also called: Neuronal Ceroid Lipofuscinoses. Identifiers: Orphanet 216, Orphanet 79263, MedGen C0027877, MONDO:0016295. Disease mechanism: loss of function.

Submission:

Labcorp Genetics (formerly Invitae), Labcorp
Classification: Uncertain significance for Neuronal ceroid lipofuscinosis. Last evaluated: 2021-08-04. Review status: criteria provided, single submitter. Criteria: Invitae Variant Classification Sherloc (09022015). Collection method: clinical testing. Allele origin: germline.
Comment: This variant results in a copy number gain of the genomic region encompassing exon(s) 2-5 of the CLN3 gene. This region includes the initiator codon of the gene. The 5' end of this event is unknown as it extends beyond the assayed region for this gene and therefore may encompass additional genes. The 3' boundary is likely confined to intron 5 of the CLN3 gene. As the precise location of this event is unknown, it may be in tandem or it may be located elsewhere in the genome. This variant has not been reported in the literature in individuals affected with CLN3-related conditions. Experimental studies and prediction algorithms are not available or were not evaluated, and the functional significance of this variant is currently unknown. In summary, the available evidence is currently insufficient to determine the role of this variant in disease. Therefore, it has been classified as a Variant of Uncertain Significance.

NC_000016.9:g.(?_28499902)_(28503090_?)dup

Gene: CLN3 (CLN3 lysosomal/endosomal transmembrane protein, battenin; minus strand). Cytogenetic location: 16p11.2.
Variant type: Duplication.
Identifiers: ClinVar variation 1481616 (VCV001481616.5).